The following is an entry in ClinVar:

NM_004444.5(EPHB4):c.391A>T (p.Met131Leu)

Gene: EPHB4 (EPH receptor B4; minus strand). Cytogenetic location: 7q22.1.
Variant type: single nucleotide variant.
Coding change: c.391A>T on transcript NM_004444.5 (MANE Select); coding-DNA position 391, A replaced by T.
Protein change: p.Met131Leu; replaces methionine 131 with leucine.
Molecular consequence: missense variant.
Genome position (GRCh38, 1-based): chr7:100,823,664, T>A on the plus strand (A>T on the coding strand, the complement: EPHB4 is on the minus strand). VCF-style: chr7-100823664-T-A. GRCh37 (hg19) VCF-style: chr7-100421286-T-A.
Other names: short protein forms M131L.
Identifiers: ClinVar variation 4018824 (VCV004018824.1).

ClinVar aggregate classification (germline): Uncertain significance (1 of 4 stars; one submission).

Conditions:
Cardiovascular phenotype. Identifiers: MedGen CN230736.

Submission:

Ambry Genetics
Classification: Uncertain significance for Cardiovascular phenotype. Last evaluated: 2025-06-10. Review status: criteria provided, single submitter. Criteria: Ambry Variant Classification Scheme 2023. Collection method: clinical testing. Allele origin: germline.
Comment: The p.M131L variant (also known as c.391A>T), located in coding exon 3 of the EPHB4 gene, results from an A to T substitution at nucleotide position 391. The methionine at codon 131 is replaced by leucine, an amino acid with highly similar properties. This amino acid position is conserved. In addition, this alteration is predicted to be tolerated by in silico analysis. Based on the available evidence, the clinical significance of this variant remains unclear.